The following is an entry in ClinVar:

ClinVar aggregate classification (germline): Uncertain significance. Review status: criteria provided, multiple submitters, no conflicts (2 of 4 stars). 3 submissions from 3 submitters: Uncertain significance (3). Last evaluated 2025-10-06.

Conditions:
Inborn genetic diseases. Identifiers: MedGen C0950123, MeSH D030342.

Allele frequency attached by ClinVar (database versions not stated): gnomAD 0.00001; ExAC 0.00002; gnomAD exomes 0.00002 and 0.00003; TOPMed 0.00002; ESP Exome Variant Server 0.00008.
gnomAD v4.1: 26 of 1,614,048 alleles (0.0016%); highest among the groups gnomAD compares: South Asian, 0.0022%; no homozygotes.

Submissions (3):

Labcorp Genetics (formerly Invitae), Labcorp
Classification: Uncertain significance. Last evaluated: 2025-10-06. Review status: criteria provided, single submitter. Criteria: Invitae Variant Classification Sherloc (09022015). Collection method: clinical testing. Allele origin: germline.
Comment: This sequence change replaces lysine, which is basic and polar, with glutamic acid, which is acidic and polar, at codon 1168 of the RP1 protein (p.Lys1168Glu). This variant is present in population databases (rs142787091, gnomAD 0.04%). This variant has not been reported in the literature in individuals affected with RP1-related conditions. ClinVar contains an entry for this variant (Variation ID: 1355648). An algorithm developed to predict the effect of missense changes on protein structure and function (PolyPhen-2) suggests that this variant is likely to be disruptive. In summary, the available evidence is currently insufficient to determine the role of this variant in disease. Therefore, it has been classified as a Variant of Uncertain Significance.

Blueprint Genetics
Classification: Uncertain significance. Last evaluated: 2024-10-25. Review status: criteria provided, single submitter. Criteria: ACMG Guidelines, 2015. Collection method: clinical testing. Allele origin: germline.

Ambry Genetics
Classification: Uncertain significance for Inborn genetic diseases. Last evaluated: 2024-08-27. Review status: criteria provided, single submitter. Criteria: Ambry Variant Classification Scheme 2023. Collection method: clinical testing. Allele origin: germline.

NM_006269.2(RP1):c.3502A>G (p.Lys1168Glu)

Gene: RP1 (RP1 axonemal microtubule associated; plus strand). Cytogenetic location: 8q12.1.
Variant type: single nucleotide variant.
Coding change: c.3502A>G on transcript NM_006269.2 (MANE Select); coding-DNA position 3502, A replaced by G.
Protein change: p.Lys1168Glu; replaces lysine 1168 with glutamic acid.
Molecular consequence: missense variant. On other transcripts: intron variant (1).
Genome position (GRCh38, 1-based): chr8:54,627,384, A>G. VCF-style: chr8-54627384-A-G. GRCh37 (hg19) VCF-style: chr8-55539944-A-G.
Other names: c.3502A>G (NM_006269.1); c.787+5096A>G (NM_001375654.1); short protein forms K1168E.
Identifiers: ClinVar variation 1355648 (VCV001355648.9), dbSNP rs142787091, ClinGen allele CA4751702.